The following is an entry in ClinVar:

NM_001040716.2(PC):c.1742G>A (p.Arg581His)

Gene: PC (pyruvate carboxylase; minus strand). Cytogenetic location: 11q13.2.
Variant type: single nucleotide variant.
Coding change: c.1742G>A on transcript NM_001040716.2 (MANE Select); coding-DNA position 1742, G replaced by A.
Protein change: p.Arg581His; replaces arginine 581 with histidine.
Molecular consequence: missense variant.
Genome position (GRCh38, 1-based): chr11:66,852,522, C>T on the plus strand (G>A on the coding strand, the complement: PC is on the minus strand). VCF-style: chr11-66852522-C-T. GRCh37 (hg19) VCF-style: chr11-66619993-C-T.
Other names: c.1742G>A (NM_000920.3); c.1742G>A, p.Arg581His (NM_000920.4, NM_022172.3); short protein forms R581H.
Identifiers: ClinVar variation 2182597 (VCV002182597.2), dbSNP rs754573606, ClinGen allele CA6131282.

ClinVar aggregate classification (germline): Uncertain significance. Review status: criteria provided, multiple submitters, no conflicts (2 of 4 stars). 2 submissions from 2 submitters: Uncertain significance (2). Last evaluated 2025-04-13.

Conditions:
Pyruvate carboxylase deficiency. Also called: LEIGH NECROTIZING ENCEPHALOPATHY DUE TO PYRUVATE CARBOXYLASE DEFICIENCY; LEIGH SYNDROME DUE TO PYRUVATE CARBOXYLASE DEFICIENCY; PC DEFICIENCY; Pyruvate Carboxylase Deficiency Disease; ATAXIA WITH LACTIC ACIDOSIS II. Identifiers: Orphanet 3008, MedGen C0034341, MONDO:0009949, OMIM 266150.
Inborn genetic diseases. Identifiers: MedGen C0950123, MeSH D030342.

Allele frequency attached by ClinVar (database versions not stated): ExAC 0.00002.
gnomAD v4.1: 23 of 1,614,074 alleles (0.0014%); highest among the groups gnomAD compares: South Asian, 0.0077%; no homozygotes.

Submissions (2):

Ambry Genetics
Classification: Uncertain significance for Inborn genetic diseases. Last evaluated: 2025-04-13. Review status: criteria provided, single submitter. Criteria: Ambry Variant Classification Scheme 2023. Collection method: clinical testing. Allele origin: germline.

Labcorp Genetics (formerly Invitae), Labcorp
Classification: Uncertain significance for Pyruvate carboxylase deficiency. Last evaluated: 2021-12-02. Review status: criteria provided, single submitter. Criteria: Invitae Variant Classification Sherloc (09022015). Collection method: clinical testing. Allele origin: germline.
Comment: This sequence change replaces arginine, which is basic and polar, with histidine, which is basic and polar, at codon 581 of the PC protein (p.Arg581His). This variant is present in population databases (rs754573606, gnomAD 0.01%). This variant has not been reported in the literature in individuals affected with PC-related conditions. Algorithms developed to predict the effect of missense changes on protein structure and function are either unavailable or do not agree on the potential impact of this missense change (SIFT: "Deleterious"; PolyPhen-2: "Probably Damaging"; Align-GVGD: "Class C0"). In summary, the available evidence is currently insufficient to determine the role of this variant in disease. Therefore, it has been classified as a Variant of Uncertain Significance.